The following is an entry in ClinVar:

NM_001142800.2(EYS):c.1299+2T>A

Gene: EYS (EGF-like photoreceptor maintenance factor; minus strand). Cytogenetic location: 6q12.
Variant type: single nucleotide variant.
Coding change: c.1299+2T>A on transcript NM_001142800.2 (MANE Select); the canonical splice donor site of the intron after coding-DNA position 1299, T replaced by A.
Molecular consequence: splice donor variant.
Genome position (GRCh38, 1-based): chr6:65,384,384, A>T on the plus strand (T>A on the coding strand, the complement: EYS is on the minus strand). VCF-style: chr6-65384384-A-T. GRCh37 (hg19) VCF-style: chr6-66094277-A-T.
Other names: c.1299+2T>A (NM_001292009.2, NM_001142801.2, NM_198283.2).
Identifiers: ClinVar variation 1515559 (VCV001515559.7), dbSNP rs2150351826, ClinGen allele CA364661968.

ClinVar aggregate classification (germline): Likely pathogenic. Review status: criteria provided, multiple submitters, no conflicts (2 of 4 stars). 2 submissions from 2 submitters: Likely pathogenic (2). Last evaluated 2024-02-12.

Conditions:
Retinitis pigmentosa 25 (RP25). Identifiers: Orphanet 791, MedGen C1864446, MONDO:0011272, OMIM 602772.

Submissions (2):

Baylor Genetics
Classification: Likely pathogenic for Retinitis pigmentosa 25. Last evaluated: 2024-02-12. Review status: criteria provided, single submitter. Criteria: ACMG Guidelines, 2015. Collection method: clinical testing. Allele origin: unknown.

Labcorp Genetics (formerly Invitae), Labcorp
Classification: Likely pathogenic. Last evaluated: 2021-11-02. Review status: criteria provided, single submitter. Criteria: Invitae Variant Classification Sherloc (09022015). Collection method: clinical testing. Allele origin: germline.
Comment: This sequence change affects a donor splice site in intron 8 of the EYS gene. It is expected to disrupt RNA splicing. Variants that disrupt the donor or acceptor splice site typically lead to a loss of protein function (PMID: 16199547), and loss-of-function variants in EYS are known to be pathogenic (PMID: 18836446, 20333770). In summary, the currently available evidence indicates that the variant is pathogenic, but additional data are needed to prove that conclusively. Therefore, this variant has been classified as Likely Pathogenic. Algorithms developed to predict the effect of sequence changes on RNA splicing suggest that this variant may disrupt the consensus splice site. This variant has not been reported in the literature in individuals affected with EYS-related conditions. This variant is not present in population databases (gnomAD no frequency).

Literature cited by the submitters: PubMed 16199547 (cited by Labcorp Genetics (formerly Invitae), Labcorp); PubMed 18836446 (cited by Labcorp Genetics (formerly Invitae), Labcorp); PubMed 20333770 (cited by Labcorp Genetics (formerly Invitae), Labcorp).